The following is an entry in ClinVar:

NM_000081.4(LYST):c.2656C>G (p.Arg886Gly)

Gene: LYST (lysosomal trafficking regulator; minus strand). Cytogenetic location: 1q42.3.
Variant type: single nucleotide variant.
Coding change: c.2656C>G on transcript NM_000081.4 (MANE Select); coding-DNA position 2656, C replaced by G.
Protein change: p.Arg886Gly; replaces arginine 886 with glycine.
Molecular consequence: missense variant.
Genome position (GRCh38, 1-based): chr1:235,806,480, G>C on the plus strand (C>G on the coding strand, the complement: LYST is on the minus strand). VCF-style: chr1-235806480-G-C. GRCh37 (hg19) VCF-style: chr1-235969780-G-C.
Other names: c.2656C>G, p.Arg886Gly (NM_001301365.1); short protein forms R886G.
Identifiers: ClinVar variation 1050284 (VCV001050284.1), dbSNP rs1037862310, ClinGen allele CA344956049.
Genomic context (GRCh38, chr1:235,806,480, plus strand): 5'-AAGCCACACAGAGGAATAGGTTTATTGTGTTGATATGAACATCTTGGTTAACAGTCTTCC[G>C]TCTCTTTGGATAAGCTTCTTTGAGGCCAGCATAAAATTTGCTGAGACTCTGAGGAGAATC-3'
Protein context (NP_000072.2, residues 876-896): AGLKEAYPKR[Arg886Gly]KTVNQDVHIN

ClinVar aggregate classification (germline): Uncertain significance (0 of 4 stars; one submission).

gnomAD v4.1: 1 of 1,614,036 alleles (0.000062%); no homozygotes.

Submission:

Department of Pathology and Laboratory Medicine, Sinai Health System
Classification: Uncertain significance. Review status: no assertion criteria provided. Collection method: clinical testing. Allele origin: unknown. Affected: yes. Study: The Canadian Open Genetics Repository (COGR).
Comment: The LYST p.Arg886Gly variant was not identified in the literature nor was it identified in ClinVar or LOVD 3.0. The variant was identified in dbSNP (ID: rs1037862310) and was identified in control databases in 1 of 250692 chromosomes at a frequency of 0.000003989 (Genome Aggregation Database March 6, 2019, v2.1.1). The variant was observed in the European (non-Finnish) population in 1 of 113234 chromosomes (freq: 0.000009), but was not observed in the African, Latino, Ashkenazi Jewish, East Asian, European (Finnish), Other or South Asian populations. The p.Arg886 residue is not conserved in mammals and four out of five computational analyses (PolyPhen-2, SIFT, AlignGVGD, BLOSUM, MutationTaster) do not suggest a high likelihood of impact to the protein; however, this information is not predictive enough to rule out pathogenicity. The variant occurs outside of the splicing consensus sequence and in silico or computational prediction software programs (SpliceSiteFinder, MaxEntScan, NNSPLICE, GeneSplicer) do not predict a difference in splicing. In summary, based on the above information the clinical significance of this variant cannot be determined with certainty at this time. This variant is classified as a variant of uncertain significance.